The following is an entry in ClinVar:

NM_001363711.2(DUOX2):c.493_506del (p.Pro165fs)

Gene: DUOX2 (dual oxidase 2; minus strand). Cytogenetic location: 15q21.1.
Variant type: Deletion.
Coding change: c.493_506del on transcript NM_001363711.2 (MANE Select); coding-DNA positions 493 to 506, 14 bases deleted (CCCAGCAACCCCCG).
Protein change: p.Pro165fs; shifts the reading frame from proline 165.
Molecular consequence: frameshift variant.
Genome position (GRCh38, 1-based): chr15:45,111,775-45,111,788, CGGGGGTTGCTGGG deleted on the plus strand (CCCAGCAACCCCCG on the coding strand, the reverse complement: DUOX2 is on the minus strand). VCF-style (leftmost placement, unchanged base first): chr15-45111774-CCGGGGGTTGCTGGG-C. GRCh37 (hg19) VCF-style: chr15-45403972-CCGGGGGTTGCTGGG-C.
Other names: c.493_506del, p.Pro165fs (NM_014080.5); short protein forms P165fs.
Identifiers: ClinVar variation 2842751 (VCV002842751.3), dbSNP rs1894423425, ClinGen allele CA969326575.

ClinVar aggregate classification (germline): Pathogenic (1 of 4 stars; one submission).

Allele frequency attached by ClinVar (database versions not stated): gnomAD 0.00001.

Submission:

Labcorp Genetics (formerly Invitae), Labcorp
Classification: Pathogenic. Last evaluated: 2023-03-04. Review status: criteria provided, single submitter. Criteria: Invitae Variant Classification Sherloc (09022015). Collection method: clinical testing. Allele origin: germline.
Comment: This sequence change creates a premature translational stop signal (p.Pro165Glyfs*131) in the DUOX2 gene. It is expected to result in an absent or disrupted protein product. Loss-of-function variants in DUOX2 are known to be pathogenic (PMID: 12110737, 18765513, 21565790, 24423310, 24735383). This variant is not present in population databases (gnomAD no frequency). This variant has not been reported in the literature in individuals affected with DUOX2-related conditions. For these reasons, this variant has been classified as Pathogenic.

Literature cited by the submitters: PubMed 12110737; PubMed 18765513; PubMed 21565790; PubMed 24423310; PubMed 24735383.